The following is an entry in ClinVar:

ClinVar aggregate classification (germline): Uncertain significance (1 of 4 stars; one submission).

Allele frequency attached by ClinVar (database versions not stated): gnomAD 0.00003; TOPMed 0.00004; 1000 Genomes Project 30x 0.00016; ExAC 0.00017; 1000 Genomes Project 0.00020; ESP Exome Variant Server 0.00039.
gnomAD v4.1: 70 of 1,587,434 alleles (0.0044%); highest among the groups gnomAD compares: East Asian, 0.02%; 1 homozygote.

Submission:

Labcorp Genetics (formerly Invitae), Labcorp
Classification: Uncertain significance. Last evaluated: 2024-11-05. Review status: criteria provided, single submitter. Criteria: Invitae Variant Classification Sherloc (09022015). Collection method: clinical testing. Allele origin: germline.
Comment: This sequence change replaces arginine, which is basic and polar, with tryptophan, which is neutral and slightly polar, at codon 460 of the SLC19A1 protein (p.Arg460Trp). This variant is present in population databases (rs201021365, gnomAD 0.03%). This variant has not been reported in the literature in individuals affected with SLC19A1-related conditions. ClinVar contains an entry for this variant (Variation ID: 2726740). An algorithm developed to predict the effect of missense changes on protein structure and function (PolyPhen-2) suggests that this variant is likely to be disruptive. In summary, the available evidence is currently insufficient to determine the role of this variant in disease. Therefore, it has been classified as a Variant of Uncertain Significance.

NM_194255.4(SLC19A1):c.1378C>T (p.Arg460Trp)

Gene: SLC19A1 (solute carrier family 19 member 1; minus strand). Cytogenetic location: 21q22.3.
Variant type: single nucleotide variant.
Coding change: c.1378C>T on transcript NM_194255.4 (MANE Select); coding-DNA position 1378, C replaced by T.
Protein change: p.Arg460Trp; replaces arginine 460 with tryptophan.
Molecular consequence: missense variant. On other transcripts: intron variant (2).
Genome position (GRCh38, 1-based): chr21:45,516,056, G>A on the plus strand (C>T on the coding strand, the complement: SLC19A1 is on the minus strand). VCF-style: chr21-45516056-G-A. GRCh37 (hg19) VCF-style: chr21-46935970-G-A.
Other names: c.1258C>T, p.Arg420Trp (NM_001205207.3); c.1024C>T, p.Arg342Trp (NM_001352510.2); c.1378C>T, p.Arg460Trp (NM_001352512.2); c.1294-904C>T (NM_001352511.3, NM_001205206.4); short protein forms R420W, R460W, R342W.
Identifiers: ClinVar variation 2726740 (VCV002726740.3), dbSNP rs201021365, ClinGen allele CA10068307.